The following is an entry in ClinVar:

ClinVar aggregate classification (germline): Uncertain significance. Review status: criteria provided, multiple submitters, no conflicts (2 of 4 stars). 3 submissions from 3 submitters: Uncertain significance (3). Last evaluated 2025-12-04.

Conditions:
Inborn genetic diseases. Identifiers: MedGen C0950123, MeSH D030342.
Nance-Horan syndrome (NHS). Identifiers: Orphanet 627, MedGen C0796085, MONDO:0010545, OMIM 302350.

Submissions (3):

Women's Health and Genetics/Laboratory Corporation of America, LabCorp
Classification: Uncertain significance. Last evaluated: 2025-12-04. Review status: criteria provided, single submitter. Criteria: LabCorp Variant Classification Summary - May 2015. Collection method: clinical testing. Allele origin: germline.
Comment: Variant summary: NHS c.345_350dupGGCGGC (p.Ala116_Ala117dup) results in an in-frame duplication that is predicted to duplicate 2 amino acids into the encoded protein. The frequency data for this variant in gnomAD is considered unreliable, as metrics indicate poor data quality at this position. To our knowledge, no occurrence of c.345_350dupGGCGGC in individuals affected with NHS-related conditions and no experimental evidence demonstrating its impact on protein function have been reported. ClinVar contains an entry for this variant (Variation ID: 1731557). Based on the evidence outlined above, the variant was classified as uncertain significance.

Labcorp Genetics (formerly Invitae), Labcorp
Classification: Uncertain significance for Nance-Horan syndrome. Last evaluated: 2022-01-08. Review status: criteria provided, single submitter. Criteria: Invitae Variant Classification Sherloc (09022015). Collection method: clinical testing. Allele origin: germline.
Comment: In summary, the available evidence is currently insufficient to determine the role of this variant in disease. Therefore, it has been classified as a Variant of Uncertain Significance. This variant has not been reported in the literature in individuals affected with NHS-related conditions. This variant is not present in population databases (gnomAD no frequency). This variant, c.345_350dup, results in the insertion of 2 amino acid(s) of the NHS protein (p.Ala116_Ala117dup), but otherwise preserves the integrity of the reading frame.

Ambry Genetics
Classification: Uncertain significance for Inborn genetic diseases. Last evaluated: 2019-11-21. Review status: criteria provided, single submitter. Criteria: Ambry Variant Classification Scheme 2023. Collection method: clinical testing. Allele origin: germline.
Comment: The c.345_350dupGGCGGC variant (also known as p.A116_A117dup), located in coding exon 1 of the NHS gene, results from an in-frame duplication of GGCGGC at nucleotide positions 345 to 350. This results in the duplication of 2 extra residues (AA) between codons 116 and 117. These amino acid positions are not well conserved in available vertebrate species. In addition, this alteration is predicted to be neutral by in silico analysis (Choi Y et al. PLoS ONE. 2012; 7(10):e46688). Since supporting evidence is limited at this time, the clinical significance of this alteration remains unclear.

NM_001291867.2(NHS):c.333GGC[8] (p.Ala117_Val118insAlaAla)

Gene: NHS (NHS actin remodeling regulator; plus strand). Cytogenetic location: Xp22.2.
Variant type: Microsatellite.
Coding change: c.333GGC[8] on transcript NM_001291867.2 (MANE Select); eight copies in a row of the 3-base unit GGC starting at c.333; the reference has six copies in a row; two copies, 6 bases duplicated.
Protein change: p.Ala117_Val118insAlaAla.
Molecular consequence: inframe insertion.
Genome position (GRCh38, 1-based): chrX:17,376,102-17,376,107, GGCGGC duplicated; duplicating any 6 consecutive bases within chrX:17,376,089-17,376,107 gives the same sequence; the position shown is the placement nearest the transcript's 3' end. VCF-style (leftmost placement, unchanged base first): chrX-17376088-T-TCGGCGG. GRCh37 (hg19) VCF-style: chrX-17394211-T-TCGGCGG.
Other names: c.345_350dupGGCGGC (NM_198270.4); c.333GGC[8], p.Ala117_Val118insAlaAla (NM_198270.4).
Identifiers: ClinVar variation 1731557 (VCV001731557.8), dbSNP rs587780401, ClinGen allele CA10358434.
Genomic context (GRCh38, chrX:17,376,088, plus strand): 5'-GCTGGCGAGGAGAGCACGGCGGGGATCCCGGAGGCGGCGCCCGCAGCCGGCGAGGCGTCC[T>TCGGCGG]CGGCGGCGGCGGCGGCGGCCGTGCTGCTCATGCTGGACCTATGCGCGGTCAGCAACGCCG-3'